The following is an entry in ClinVar:

NM_006206.6(PDGFRA):c.149T>C (p.Phe50Ser)

Gene: PDGFRA (platelet derived growth factor receptor alpha; plus strand). Cytogenetic location: 4q12.
Variant type: single nucleotide variant.
Coding change: c.149T>C on transcript NM_006206.6 (MANE Select); coding-DNA position 149, T replaced by C.
Protein change: p.Phe50Ser; replaces phenylalanine 50 with serine.
Molecular consequence: missense variant.
Genome position (GRCh38, 1-based): chr4:54,261,194, T>C. VCF-style: chr4-54261194-T-C. GRCh37 (hg19) VCF-style: chr4-55127361-T-C.
Other names: c.149T>C, p.Phe50Ser (NM_001347827.2, NM_001347829.2); c.224T>C, p.Phe75Ser (NM_001347828.2); c.188T>C, p.Phe63Ser (NM_001347830.2); short protein forms F63S, F75S, F50S.
Identifiers: ClinVar variation 846494 (VCV000846494.18), dbSNP rs1722684084, ClinGen allele CA356888351.

ClinVar aggregate classification (germline): Uncertain significance. Review status: criteria provided, multiple submitters, no conflicts (2 of 4 stars). 2 submissions from 2 submitters: Uncertain significance (2). Last evaluated 2025-01-25.

Conditions:
Hereditary cancer-predisposing syndrome. Also called: Neoplastic Syndromes, Hereditary; Tumor predisposition; Hereditary Cancer Syndrome; Hereditary neoplastic syndrome. Identifiers: Orphanet 140162, MedGen C0027672, MeSH D009386, MONDO:0015356.
Gastrointestinal stromal tumor. Also called: Gastrointestinal stromal tumor, somatic; Gastrointestinal stroma tumor. Identifiers: Orphanet 44890, MedGen C0238198, MeSH D046152, MONDO:0011719, OMIM 606764, HP:0100723.

Allele frequency attached by ClinVar (database versions not stated): gnomAD exomes below 0.00001.
gnomAD v4.1: 1 of 1,614,148 alleles (0.000062%); highest among the groups gnomAD compares: Admixed American, 0.0017%; no homozygotes.

Submissions (2):

Ambry Genetics
Classification: Uncertain significance for Hereditary cancer-predisposing syndrome. Last evaluated: 2025-01-25. Review status: criteria provided, single submitter. Criteria: Ambry Variant Classification Scheme 2023. Collection method: clinical testing. Allele origin: germline.
Comment: The p.F50S variant (also known as c.149T>C), located in coding exon 2 of the PDGFRA gene, results from a T to C substitution at nucleotide position 149. The phenylalanine at codon 50 is replaced by serine, an amino acid with highly dissimilar properties. This amino acid position is conserved. In addition, this alteration is predicted to be tolerated by in silico analysis. Based on the available evidence, the clinical significance of this variant remains unclear.

Labcorp Genetics (formerly Invitae), Labcorp
Classification: Uncertain significance for Gastrointestinal stromal tumor. Last evaluated: 2019-12-19. Review status: criteria provided, single submitter. Criteria: Invitae Variant Classification Sherloc (09022015). Collection method: clinical testing. Allele origin: germline.
Comment: This sequence change replaces phenylalanine with serine at codon 50 of the PDGFRA protein (p.Phe50Ser). The phenylalanine residue is weakly conserved and there is a large physicochemical difference between phenylalanine and serine. This variant is not present in population databases (ExAC no frequency). This variant has not been reported in the literature in individuals with PDGFRA-related conditions. Algorithms developed to predict the effect of missense changes on protein structure and function output the following: SIFT: "Tolerated"; PolyPhen-2: "Benign"; Align-GVGD: "Class C0". The serine amino acid residue is found in multiple mammalian species, suggesting that this missense change does not adversely affect protein function. These predictions have not been confirmed by published functional studies and their clinical significance is uncertain. In summary, the available evidence is currently insufficient to determine the role of this variant in disease. Therefore, it has been classified as a Variant of Uncertain Significance.